The following is an entry in ClinVar:

ClinVar aggregate classification (germline): Uncertain significance. Review status: criteria provided, multiple submitters, no conflicts (2 of 4 stars). 2 submissions from 2 submitters: Uncertain significance (2). Last evaluated 2022-11-15.

Conditions:
Glomerulopathy with fibronectin deposits 2 (GFND2). Identifiers: Orphanet 84090, MedGen C1866075, MONDO:0011165, OMIM 601894.
Spondylometaphyseal dysplasia - Sutcliffe type. Also called: Sutcliffe type of spondylometaphyseal dysplasia; Sutcliffe SMD; Spondylometaphyseal dysplasia, 'corner fracture' type; Spondylometaphyseal Dysplasia, Corner Fracture Type. Identifiers: Orphanet 93315, MedGen C0432221, MONDO:0008479, OMIM 184255.

Submissions (2):

Labcorp Genetics (formerly Invitae), Labcorp
Classification: Uncertain significance. Last evaluated: 2022-11-15. Review status: criteria provided, single submitter. Criteria: Invitae Variant Classification Sherloc (09022015). Collection method: clinical testing. Allele origin: germline.
Comment: ClinVar contains an entry for this variant (Variation ID: 1010526). This variant has not been reported in the literature in individuals affected with FN1-related conditions. This variant is not present in population databases (gnomAD no frequency). This sequence change falls in intron 15 of the FN1 gene. It does not directly change the encoded amino acid sequence of the FN1 protein. It affects a nucleotide within the consensus splice site. In summary, the available evidence is currently insufficient to determine the role of this variant in disease. Therefore, it has been classified as a Variant of Uncertain Significance. Variants that disrupt the consensus splice site are a relatively common cause of aberrant splicing (PMID: 17576681, 9536098). Algorithms developed to predict the effect of sequence changes on RNA splicing suggest that this variant may disrupt the consensus splice site.

Fulgent Genetics
Classification: Uncertain significance for Spondylometaphyseal dysplasia - Sutcliffe type; Glomerulopathy with fibronectin deposits 2. Last evaluated: 2021-08-06. Review status: criteria provided, single submitter. Criteria: ACMG Guidelines, 2015. Collection method: clinical testing. Allele origin: unknown.

Literature cited by the submitters: PubMed 17576681 (cited by Labcorp Genetics (formerly Invitae), Labcorp); PubMed 9536098 (cited by Labcorp Genetics (formerly Invitae), Labcorp).

NM_212482.4(FN1):c.2299+3A>T

Gene: FN1 (fibronectin 1; minus strand). Cytogenetic location: 2q35.
Variant type: single nucleotide variant.
Coding change: c.2299+3A>T on transcript NM_212482.4 (MANE Select); 3 bases into the intron after coding-DNA position 2299, A replaced by T.
Molecular consequence: intron variant.
Genome position (GRCh38, 1-based): chr2:215,409,560, T>A on the plus strand (A>T on the coding strand, the complement: FN1 is on the minus strand). VCF-style: chr2-215409560-T-A. GRCh37 (hg19) VCF-style: chr2-216274283-T-A.
Other names: c.2299+3A>T (NM_212474.3, NM_001306132.2, NM_001365523.2 and 13 more transcripts).
Identifiers: ClinVar variation 1010526 (VCV001010526.8), dbSNP rs2062278053, ClinGen allele CA1327361986.